The following is an entry in ClinVar:

NM_212482.4(FN1):c.1715T>C (p.Ile572Thr)

Gene: FN1 (fibronectin 1; minus strand). Cytogenetic location: 2q35.
Variant type: single nucleotide variant.
Coding change: c.1715T>C on transcript NM_212482.4 (MANE Select); coding-DNA position 1715, T replaced by C.
Protein change: p.Ile572Thr; replaces isoleucine 572 with threonine.
Molecular consequence: missense variant.
Genome position (GRCh38, 1-based): chr2:215,419,346, A>G on the plus strand (T>C on the coding strand, the complement: FN1 is on the minus strand). VCF-style: chr2-215419346-A-G. GRCh37 (hg19) VCF-style: chr2-216284069-A-G.
Other names: c.1715T>C (NM_212482.1, NM_212482.2); c.1715T>C, p.Ile572Thr (NM_001306129.2, NM_001306130.2, NM_001306131.2 and 14 more transcripts); short protein forms I572T.
Identifiers: ClinVar variation 1498123 (VCV001498123.11), dbSNP rs150405747, ClinGen allele CA2095187.

ClinVar aggregate classification (germline): Conflicting classifications of pathogenicity. Review status: criteria provided, conflicting classifications (1 of 4 stars). 4 submissions from 4 submitters: Uncertain significance (1); Likely benign (3). Last evaluated 2025-10-01.

Conditions:
Glomerulopathy with fibronectin deposits 2 (GFND2). Identifiers: Orphanet 84090, MedGen C1866075, MONDO:0011165, OMIM 601894.
Spondylometaphyseal dysplasia - Sutcliffe type. Also called: Sutcliffe type of spondylometaphyseal dysplasia; Sutcliffe SMD; Spondylometaphyseal Dysplasia, Corner Fracture Type; Spondylometaphyseal dysplasia, 'corner fracture' type. Identifiers: Orphanet 93315, MedGen C0432221, MONDO:0008479, OMIM 184255.
FN1-related disorder. Also called: FN1-related condition.
Inborn genetic diseases. Identifiers: MedGen C0950123, MeSH D030342.

Allele frequency attached by ClinVar (database versions not stated): gnomAD exomes 0.00001 and 0.00006; ExAC 0.00007; gnomAD 0.00012 and 0.00013; TOPMed 0.00012; ESP Exome Variant Server 0.00031; 1000 Genomes Project 0.00060; 1000 Genomes Project 30x 0.00062.
gnomAD v4.1: 37 of 1,613,362 alleles (0.0023%); highest among the groups gnomAD compares: African/African-American, 0.041%; no homozygotes.

Submissions (4):

Labcorp Genetics (formerly Invitae), Labcorp
Classification: Likely benign. Last evaluated: 2025-10-01. Review status: criteria provided, single submitter. Criteria: Invitae Variant Classification Sherloc (09022015). Collection method: clinical testing. Allele origin: germline.

Ambry Genetics
Classification: Likely benign for Inborn genetic diseases. Last evaluated: 2025-08-15. Review status: criteria provided, single submitter. Criteria: Ambry Variant Classification Scheme 2023. Collection method: clinical testing. Allele origin: germline.

PreventionGenetics, part of Exact Sciences
Classification: Likely benign for FN1-related condition. Last evaluated: 2024-10-23. Review status: criteria provided, single submitter. Criteria: ACMG Guidelines, 2015. Collection method: clinical testing. Allele origin: germline.
Comment: This variant is classified as likely benign based on ACMG/AMP sequence variant interpretation guidelines (Richards et al. 2015 PMID: 25741868, with internal and published modifications).

Fulgent Genetics
Classification: Uncertain significance for Spondylometaphyseal dysplasia - Sutcliffe type; Glomerulopathy with fibronectin deposits 2. Last evaluated: 2024-03-25. Review status: criteria provided, single submitter. Criteria: ACMG Guidelines, 2015. Collection method: clinical testing. Allele origin: germline.